The following is an entry in ClinVar:

NM_005585.5(SMAD6):c.1313T>A (p.Val438Glu)

Gene: SMAD6 (SMAD family member 6; plus strand). Cytogenetic location: 15q22.31.
Variant type: single nucleotide variant.
Coding change: c.1313T>A on transcript NM_005585.5 (MANE Select); coding-DNA position 1313, T replaced by A.
Protein change: p.Val438Glu; replaces valine 438 with glutamic acid.
Molecular consequence: missense variant. On other transcripts: non-coding transcript variant (1).
Genome position (GRCh38, 1-based): chr15:66,781,357, T>A. VCF-style: chr15-66781357-T-A. GRCh37 (hg19) VCF-style: chr15-67073695-T-A.
Other names: short protein forms V438E.
Identifiers: ClinVar variation 3769592 (VCV003769592.1).
Genomic context (GRCh38, chr15:66,781,357, plus strand): 5'-ACGCGCCCGGCGGCCGCGCCCTGGTCGTGCGCAAGGTGCCCCCCGGCTACTCCATCAAGG[T>A]GTTCGACTTCGAGCGCTCGGGCCTGCAGCACGCGCCCGAGCCCGACGCCGCCGACGGCCC-3'
Protein context (NP_005576.3, residues 428-448): RKVPPGYSIK[Val438Glu]FDFERSGLQH

ClinVar aggregate classification (germline): Uncertain significance (1 of 4 stars; one submission).

Conditions:
Familial aortopathy. Identifiers: MedGen CN078214.

Submission:

Clinical Genetics Laboratory, Skane University Hospital Lund
Classification: Uncertain significance for Familial aortopathy. Last evaluated: 2024-09-19. Review status: criteria provided, single submitter. Criteria: ACMG Guidelines, 2015. Collection method: clinical testing. Allele origin: germline. Affected: yes.
Comment: ACMG criteria used: PM2, PP3